The following is an entry in ClinVar:

NM_199141.2(CARM1):c.421A>G (p.Thr141Ala)

Gene: CARM1 (coactivator associated arginine methyltransferase 1; plus strand). Cytogenetic location: 19p13.2.
Variant type: single nucleotide variant.
Coding change: c.421A>G on transcript NM_199141.2 (MANE Select); coding-DNA position 421, A replaced by G.
Protein change: p.Thr141Ala; replaces threonine 141 with alanine.
Molecular consequence: missense variant.
Genome position (GRCh38, 1-based): chr19:10,908,113, A>G. VCF-style: chr19-10908113-A-G. GRCh37 (hg19) VCF-style: chr19-11018789-A-G.
Other names: NM_199141.2:c.421A>G; c.421A>G, p.Thr141Ala (NM_001370088.1); c.316A>G, p.Thr106Ala (NM_001370089.1); short protein forms T106A, T141A.
Identifiers: ClinVar variation 3252067 (VCV003252067.1), dbSNP rs2513483699.

ClinVar aggregate classification (germline): Uncertain significance (1 of 4 stars; one submission).

Conditions:
Neurodevelopmental disorder. Identifiers: MedGen C1535926, MeSH D065886, MONDO:0700092.

Submission:

Broad Center for Mendelian Genomics, Broad Institute of MIT and Harvard
Classification: Uncertain significance for Neurodevelopmental disorder. Last evaluated: 2024-06-19. Review status: criteria provided, single submitter. Criteria: ACMG Guidelines, 2015. Collection method: curation. Allele origin: germline. Inheritance: Autosomal dominant inheritance. Study: GREGoR Consortium.
Comment: While this gene is still lacking sufficient evidence to establish a gene-disease relationship, we believe this is a possible novel gene candidate for neurodevelopmental disorders. Given the limited information about this gene-disease relationship, the significance of the p.Thr141Ala variant is uncertain. If you have any additional information about functional evidence or other individuals with this phenotype that also have variants in CARM1 we encourage you to reach out to us.